The following is an entry in ClinVar:

ClinVar aggregate classification (germline): Likely benign. Review status: criteria provided, multiple submitters, no conflicts (2 of 4 stars). 4 submissions from 4 submitters: Likely benign (4). Last evaluated 2025-08-08.

Conditions:
Cardiovascular phenotype. Identifiers: MedGen CN230736.
Hypertrophic cardiomyopathy 14. Identifiers: MedGen C2750467, MONDO:0013197, OMIM 613251.

Allele frequency attached by ClinVar (database versions not stated): gnomAD 0.00003 and 0.00002; gnomAD exomes 0.00003 and 0.00001; TOPMed 0.00004; ExAC 0.00002.
gnomAD v4.1: 52 of 1,614,118 alleles (0.0032%); highest among the groups gnomAD compares: Non-Finnish European, 0.004%; no homozygotes.

Submissions (4):

Labcorp Genetics (formerly Invitae), Labcorp
Classification: Likely benign for Hypertrophic cardiomyopathy 14. Last evaluated: 2025-08-08. Review status: criteria provided, single submitter. Criteria: Invitae Variant Classification Sherloc (09022015). Collection method: clinical testing. Allele origin: germline.

Blueprint Genetics
Classification: Likely benign. Last evaluated: 2024-09-25. Review status: criteria provided, single submitter. Criteria: ACMG Guidelines, 2015. Collection method: clinical testing. Allele origin: germline.

Ambry Genetics
Classification: Likely benign for Cardiovascular phenotype. Last evaluated: 2024-03-21. Review status: criteria provided, single submitter. Criteria: Ambry Variant Classification Scheme 2023. Collection method: clinical testing. Allele origin: germline.

GeneDx
Classification: Likely benign. Last evaluated: 2018-02-05. Review status: criteria provided, single submitter. Criteria: GeneDx Variant Classification (06012015). Collection method: clinical testing. Allele origin: germline. Affected: yes.
Comment: This variant is considered likely benign or benign based on one or more of the following criteria: it is a conservative change, it occurs at a poorly conserved position in the protein, it is predicted to be benign by multiple in silico algorithms, and/or has population frequency not consistent with disease.

NM_002471.4(MYH6):c.2541G>A (p.Thr847=)

Gene: MYH6 (myosin heavy chain 6; minus strand). Cytogenetic location: 14q11.2.
Variant type: single nucleotide variant.
Coding change: c.2541G>A on transcript NM_002471.4 (MANE Select); coding-DNA position 2541, G replaced by A.
Protein change: p.Thr847=; no amino-acid change (threonine 847 retained).
Molecular consequence: synonymous variant.
Genome position (GRCh38, 1-based): chr14:23,394,212, C>T on the plus strand (G>A on the coding strand, the complement: MYH6 is on the minus strand). VCF-style: chr14-23394212-C-T. GRCh37 (hg19) VCF-style: chr14-23863421-C-T.
Identifiers: ClinVar variation 515136 (VCV000515136.10), dbSNP rs774131751, ClinGen allele CA7115439.